The following is an entry in ClinVar:

ClinVar aggregate classification (germline): Uncertain significance (1 of 4 stars; one submission).

Conditions:
Episodic ataxia type 2 (EA2). Also called: ATAXIA, EPISODIC, WITH NYSTAGMUS; ATAXIA, FAMILIAL PAROXYSMAL; ACETAZOLAMIDE-RESPONSIVE HEREDITARY PAROXYSMAL CEREBELLAR ATAXIA; CEREBELLAR ATAXIA, PAROXYSMAL, ACETAZOLAMIDE-RESPONSIVE; CEREBELLOPATHY, HEREDITARY PAROXYSMAL; EPISODIC ATAXIA, NYSTAGMUS-ASSOCIATED. Identifiers: Orphanet 97, MedGen C1720416, MONDO:0007163, OMIM 108500.
Developmental and epileptic encephalopathy, 42 (DEE42A). Also called: Epileptic encephalopathy, early infantile, 42; DEVELOPMENTAL AND EPILEPTIC ENCEPHALOPATHY 42A; EPILEPTIC ENCEPHALOPATHY, EARLY INFANTILE, 42A. Identifiers: MedGen C4310716, MONDO:0014917, OMIM 617106.

Submission:

Labcorp Genetics (formerly Invitae), Labcorp
Classification: Uncertain significance for Developmental and epileptic encephalopathy, 42; Episodic ataxia type 2. Last evaluated: 2024-04-22. Review status: criteria provided, single submitter. Criteria: Invitae Variant Classification Sherloc (09022015). Collection method: clinical testing. Allele origin: germline.
Comment: This sequence change replaces methionine, which is neutral and non-polar, with threonine, which is neutral and polar, at codon 531 of the CACNA1A protein (p.Met531Thr). This variant is not present in population databases (gnomAD no frequency). This variant has not been reported in the literature in individuals affected with CACNA1A-related conditions. Advanced modeling of protein sequence and biophysical properties (such as structural, functional, and spatial information, amino acid conservation, physicochemical variation, residue mobility, and thermodynamic stability) has been performed at Invitae for this missense variant, however the output from this modeling did not meet the statistical confidence thresholds required to predict the impact of this variant on CACNA1A protein function. In summary, the available evidence is currently insufficient to determine the role of this variant in disease. Therefore, it has been classified as a Variant of Uncertain Significance.

NM_001127222.2(CACNA1A):c.1589T>C (p.Met530Thr)

Gene: CACNA1A (calcium voltage-gated channel subunit alpha1 A; minus strand). Cytogenetic location: 19p13.13.
Variant type: single nucleotide variant.
Coding change: c.1589T>C on transcript NM_001127222.2 (MANE Select); coding-DNA position 1589, T replaced by C.
Protein change: p.Met530Thr; replaces methionine 530 with threonine.
Molecular consequence: missense variant.
Genome position (GRCh38, 1-based): chr19:13,312,748, A>G on the plus strand (T>C on the coding strand, the complement: CACNA1A is on the minus strand). VCF-style: chr19-13312748-A-G. GRCh37 (hg19) VCF-style: chr19-13423562-A-G.
Other names: c.1592T>C, p.Met531Thr (NM_000068.4, NM_001127221.2, NM_001174080.2 and 1 more transcripts); short protein forms M530T, M531T.
Identifiers: ClinVar variation 3754168 (VCV003754168.2).